The following is an entry in ClinVar:

ClinVar aggregate classification (germline): Uncertain significance (1 of 4 stars; one submission).

Conditions:
Cardiovascular phenotype. Identifiers: MedGen CN230736.

Submission:

Ambry Genetics
Classification: Uncertain significance for Cardiovascular phenotype. Last evaluated: 2026-08-05. Review status: criteria provided, single submitter. Criteria: Ambry Variant Classification Scheme 2023. Collection method: clinical testing. Allele origin: germline.
Comment: The p.S859G variant (also known as c.2575A>G), located in coding exon 16 of the CBL gene, results from an A to G substitution at nucleotide position 2575. The serine at codon 859 is replaced by glycine, an amino acid with similar properties. This amino acid position is conserved. In addition, this alteration is predicted to be tolerated by in silico analysis. Based on the available evidence, the clinical significance of this variant remains unclear.

NM_005188.4(CBL):c.2575A>G (p.Ser859Gly)

Gene: CBL (Cbl proto-oncogene; plus strand). Cytogenetic location: 11q23.3.
Variant type: single nucleotide variant.
Coding change: c.2575A>G on transcript NM_005188.4 (MANE Select); coding-DNA position 2575, A replaced by G.
Protein change: p.Ser859Gly; replaces serine 859 with glycine.
Molecular consequence: missense variant.
Genome position (GRCh38, 1-based): chr11:119,299,635, A>G. VCF-style: chr11-119299635-A-G. GRCh37 (hg19) VCF-style: chr11-119170345-A-G.
Other names: short protein forms S859G.
Identifiers: ClinVar variation 4613902 (VCV004613902.2).
Genomic context (GRCh38, chr11:119,299,635, plus strand): 5'-AGCTGTCAGCAAGGTAGTGGTCCTGCCGCCTCTGCTGCCACCGCCTCACCTCAGCTCTCC[A>G]GTGAGATCGAGAACCTCATGAGTCAGGGGTACTCCTACCAGGACATCCAGAAAGCTTTGG-3'
Protein context (NP_005179.2, residues 849-869): SAATASPQLS[Ser859Gly]EIENLMSQGY